The following is an entry in ClinVar:

NM_033004.4(NLRP1):c.2349G>C (p.Met783Ile)

Gene: NLRP1 (NLR family pyrin domain containing 1; minus strand). Cytogenetic location: 17p13.2.
Variant type: single nucleotide variant.
Coding change: c.2349G>C on transcript NM_033004.4 (MANE Select); coding-DNA position 2349, G replaced by C.
Protein change: p.Met783Ile; replaces methionine 783 with isoleucine.
Molecular consequence: missense variant.
Genome position (GRCh38, 1-based): chr17:5,558,347, C>G on the plus strand (G>C on the coding strand, the complement: NLRP1 is on the minus strand). VCF-style: chr17-5558347-C-G. GRCh37 (hg19) VCF-style: chr17-5461667-C-G.
Other names: c.2349G>C, p.Met783Ile (NM_001033053.3, NM_014922.5, NM_033006.4 and 1 more transcripts); short protein forms M783I.
Identifiers: ClinVar variation 2823960 (VCV002823960.3), dbSNP rs1423995866, ClinGen allele CA397382188.

ClinVar aggregate classification (germline): Uncertain significance (1 of 4 stars; one submission).

Allele frequency attached by ClinVar (database versions not stated): gnomAD exomes below 0.00001.
gnomAD v4.1: 1 of 1,604,058 alleles (0.000062%); highest among the groups gnomAD compares: Admixed American, 0.0017%; no homozygotes.

Submission:

Labcorp Genetics (formerly Invitae), Labcorp
Classification: Uncertain significance. Last evaluated: 2022-12-24. Review status: criteria provided, single submitter. Criteria: Invitae Variant Classification Sherloc (09022015). Collection method: clinical testing. Allele origin: germline.
Comment: This sequence change replaces methionine, which is neutral and non-polar, with isoleucine, which is neutral and non-polar, at codon 783 of the NLRP1 protein (p.Met783Ile). This variant is present in population databases (no rsID available, gnomAD 0.003%). This variant has not been reported in the literature in individuals affected with NLRP1-related conditions. Algorithms developed to predict the effect of missense changes on protein structure and function (SIFT, PolyPhen-2, Align-GVGD) all suggest that this variant is likely to be tolerated. In summary, the available evidence is currently insufficient to determine the role of this variant in disease. Therefore, it has been classified as a Variant of Uncertain Significance.